The following is an entry in ClinVar:

ClinVar aggregate classification (germline): Conflicting classifications of pathogenicity. Review status: criteria provided, conflicting classifications (1 of 4 stars). 2 submissions from 2 submitters: Uncertain significance (1); Likely benign (1). Last evaluated 2026-01-11.

Allele frequency attached by ClinVar (database versions not stated): gnomAD 0.00001; gnomAD exomes 0.00001 and 0.00002; TOPMed 0.00002.
gnomAD v4.1: 9 of 1,614,100 alleles (0.00056%); highest among the groups gnomAD compares: Admixed American, 0.015%; no homozygotes.

Submissions (2):

Labcorp Genetics (formerly Invitae), Labcorp
Classification: Likely benign. Last evaluated: 2026-01-11. Review status: criteria provided, single submitter. Criteria: Invitae Variant Classification Sherloc (09022015). Collection method: clinical testing. Allele origin: germline.

GeneDx
Classification: Uncertain significance. Last evaluated: 2024-04-11. Review status: criteria provided, single submitter. Criteria: GeneDx Variant Classification Process June 2021. Collection method: clinical testing. Allele origin: germline. Affected: yes.
Comment: In silico analysis supports that this missense variant has a deleterious effect on protein structure/function; Has not been previously published as pathogenic or benign to our knowledge

NM_001374828.1(ARID1B):c.1912C>G (p.Pro638Ala)

Gene: ARID1B (AT-rich interaction domain 1B; plus strand). Cytogenetic location: 6q25.3.
Variant type: single nucleotide variant.
Coding change: c.1912C>G on transcript NM_001374828.1 (MANE Select); coding-DNA position 1912, C replaced by G.
Protein change: p.Pro638Ala; replaces proline 638 with alanine.
Molecular consequence: missense variant.
Genome position (GRCh38, 1-based): chr6:156,829,347, C>G. VCF-style: chr6-156829347-C-G. GRCh37 (hg19) VCF-style: chr6-157150481-C-G.
Other names: c.1663C>G (NM_020732.3); c.1912C>G, p.Pro638Ala (NM_001371656.1, NM_001374820.1, NM_017519.3); short protein forms P638A.
Identifiers: ClinVar variation 1526359 (VCV001526359.8), dbSNP rs1165021634, ClinGen allele CA366384312.
Genomic context (GRCh38, chr6:156,829,347, plus strand): 5'-CCTCATTCTCAGCCTCAGCAGAGCAGTCCGTACCCAGGAGGTTCCTATGGCCCTCCAGGC[C>G]CACAGCGGTATCCAATTGGCATCCAGGGTCGGACTCCCGGGGCCATGGCCGGAATGCAGT-3'
Protein context (NP_001361757.1, residues 628-648): YPGGSYGPPG[Pro638Ala]QRYPIGIQGR